The following is an entry in ClinVar:

NM_000098.3(CPT2):c.790G>T (p.Val264Leu)

Gene: CPT2 (carnitine palmitoyltransferase 2; plus strand). Cytogenetic location: 1p32.3.
Variant type: single nucleotide variant.
Coding change: c.790G>T on transcript NM_000098.3 (MANE Select); coding-DNA position 790, G replaced by T.
Protein change: p.Val264Leu; replaces valine 264 with leucine.
Molecular consequence: missense variant.
Genome position (GRCh38, 1-based): chr1:53,210,464, G>T. VCF-style: chr1-53210464-G-T. GRCh37 (hg19) VCF-style: chr1-53676136-G-T.
Other names: c.790G>T, p.Val264Leu (NM_001330589.2); short protein forms V264L.
Identifiers: ClinVar variation 1423552 (VCV001423552.3), dbSNP rs1645415883, ClinGen allele CA340393725.

ClinVar aggregate classification (germline): Uncertain significance (1 of 4 stars; one submission).

Conditions:
Carnitine palmitoyltransferase II deficiency. Also called: Carnitine Palmitoyltransferase 2 Deficiency. Identifiers: Orphanet 157, MedGen C0342790, MONDO:0015515.

Allele frequency attached by ClinVar (database versions not stated): gnomAD exomes below 0.00001.

Submission:

Labcorp Genetics (formerly Invitae), Labcorp
Classification: Uncertain significance for Carnitine palmitoyltransferase II deficiency. Last evaluated: 2022-08-09. Review status: criteria provided, single submitter. Criteria: Invitae Variant Classification Sherloc (09022015). Collection method: clinical testing. Allele origin: germline.
Comment: This sequence change replaces valine, which is neutral and non-polar, with leucine, which is neutral and non-polar, at codon 264 of the CPT2 protein (p.Val264Leu). This variant is not present in population databases (gnomAD no frequency). This variant has not been reported in the literature in individuals affected with CPT2-related conditions. ClinVar contains an entry for this variant (Variation ID: 1423552). Advanced modeling of protein sequence and biophysical properties (such as structural, functional, and spatial information, amino acid conservation, physicochemical variation, residue mobility, and thermodynamic stability) performed at Invitae indicates that this missense variant is not expected to disrupt CPT2 protein function. In summary, the available evidence is currently insufficient to determine the role of this variant in disease. Therefore, it has been classified as a Variant of Uncertain Significance.